The following is an entry in ClinVar:

NM_004360.5(CDH1):c.571A>C (p.Ser191Arg)

Gene: CDH1 (cadherin 1; plus strand). Cytogenetic location: 16q22.1.
Variant type: single nucleotide variant.
Coding change: c.571A>C on transcript NM_004360.5 (MANE Select); coding-DNA position 571, A replaced by C.
Protein change: p.Ser191Arg; replaces serine 191 with arginine.
Molecular consequence: missense variant. On other transcripts: 5 prime UTR variant (2).
Genome position (GRCh38, 1-based): chr16:68,808,732, A>C. VCF-style: chr16-68808732-A-C. GRCh37 (hg19) VCF-style: chr16-68842635-A-C.
Other names: c.571A>C, p.Ser191Arg (NM_001317184.2); c.-1045A>C (NM_001317185.2); c.-1249A>C (NM_001317186.2); short protein forms S191R.
Identifiers: ClinVar variation 3488636 (VCV003488636.1).
Genomic context (GRCh38, chr16:68,808,732, plus strand): 5'-TTTCTTTCATTTTGTCTTCAGATCAAATCCAACAAAGACAAAGAAGGCAAGGTTTTCTAC[A>C]GCATCACTGGCCAAGGAGCTGACACACCCCCTGTTGGTGTCTTTATTATTGAAAGAGAAA-3'
Protein context (NP_004351.1, residues 181-201): NKDKEGKVFY[Ser191Arg]ITGQGADTPP

ClinVar aggregate classification (germline): Uncertain significance (1 of 4 stars; one submission).

Conditions:
Hereditary cancer-predisposing syndrome. Also called: Tumor predisposition; Neoplastic Syndromes, Hereditary; Hereditary Cancer Syndrome; Hereditary neoplastic syndrome. Identifiers: Orphanet 140162, MedGen C0027672, MeSH D009386, MONDO:0015356.

Submission:

Ambry Genetics
Classification: Uncertain significance for Hereditary cancer-predisposing syndrome. Last evaluated: 2024-08-02. Review status: criteria provided, single submitter. Criteria: Ambry Variant Classification Scheme 2023. Collection method: clinical testing. Allele origin: germline.
Comment: The p.S191R variant (also known as c.571A>C), located in coding exon 5 of the CDH1 gene, results from an A to C substitution at nucleotide position 571. The serine at codon 191 is replaced by arginine, an amino acid with dissimilar properties. This amino acid position is well conserved in available vertebrate species. In addition, this alteration is predicted to be deleterious by in silico analysis. Based on the available evidence, the clinical significance of this variant remains unclear.